The following is an entry in ClinVar:

ClinVar aggregate classification (germline): Benign (1 of 4 stars; one submission).

Allele frequency attached by ClinVar (database versions not stated): 1000 Genomes Project 0.26098; gnomAD exomes 0.28371; gnomAD 0.40247 and 0.42068; TOPMed 0.40982.
gnomAD v4.1: 264,614 of 872,432 alleles (30%); highest among the groups gnomAD compares: African/African-American, 69%; 31,474 homozygotes.

Submission:

GeneDx
Classification: Benign. Last evaluated: 2018-06-18. Review status: criteria provided, single submitter. Criteria: GeneDx Variant Classification (06012015). Collection method: clinical testing. Allele origin: germline. Affected: yes.
Comment: This variant is considered likely benign or benign based on one or more of the following criteria: it is a conservative change, it occurs at a poorly conserved position in the protein, it is predicted to be benign by multiple in silico algorithms, and/or has population frequency not consistent with disease.

NM_033118.4(MYLK2):c.1224+201G>A

Gene: MYLK2 (myosin light chain kinase 2; plus strand). Cytogenetic location: 20q11.21.
Variant type: single nucleotide variant.
Coding change: c.1224+201G>A on transcript NM_033118.4 (MANE Select); 201 bases into the intron after coding-DNA position 1224, G replaced by A.
Molecular consequence: intron variant.
Genome position (GRCh38, 1-based): chr20:31,827,139, G>A. VCF-style: chr20-31827139-G-A. GRCh37 (hg19) VCF-style: chr20-30414942-G-A.
Identifiers: ClinVar variation 672790 (VCV000672790.1), dbSNP rs6060976, ClinGen allele CA14786213.